The following is an entry in ClinVar:

NM_001006658.3(CR2):c.40dup (p.Val14fs)

Gene: CR2 (complement C3d receptor 2; plus strand). Cytogenetic location: 1q32.2.
Variant type: Duplication.
Coding change: c.40dup on transcript NM_001006658.3 (MANE Select); coding-DNA position 40, one base duplicated (G; older notation c.40dupG).
Protein change: p.Val14fs; shifts the reading frame from valine 14.
Molecular consequence: frameshift variant.
Genome position (GRCh38, 1-based): chr1:207,454,458, G duplicated. VCF-style (leftmost placement, unchanged base first): chr1-207454457-C-CG. GRCh37 (hg19) VCF-style: chr1-207627802-C-CG.
Other names: c.40dup, p.Val14fs (NM_001877.5); short protein forms V14fs.
Identifiers: ClinVar variation 2781409 (VCV002781409.3), dbSNP rs750238787, ClinGen allele CA1368334.

ClinVar aggregate classification (germline): Pathogenic (1 of 4 stars; one submission).

Conditions:
Immunodeficiency, common variable, 7. Identifiers: Orphanet 1572, Orphanet 696894, MedGen C3542922, MONDO:0013862, OMIM 614699.

Allele frequency attached by ClinVar (database versions not stated): gnomAD exomes below 0.00001; ESP Exome Variant Server 0.00008; ExAC 0.00002.

Submission:

Labcorp Genetics (formerly Invitae), Labcorp
Classification: Pathogenic for Immunodeficiency, common variable, 7. Last evaluated: 2022-12-31. Review status: criteria provided, single submitter. Criteria: Invitae Variant Classification Sherloc (09022015). Collection method: clinical testing. Allele origin: germline.
Comment: For these reasons, this variant has been classified as Pathogenic. This variant has not been reported in the literature in individuals affected with CR2-related conditions. This variant is present in population databases (rs750238787, gnomAD 0.001%). This sequence change creates a premature translational stop signal (p.Val14Glyfs*22) in the CR2 gene. It is expected to result in an absent or disrupted protein product. Loss-of-function variants in CR2 are known to be pathogenic (PMID: 26325596, 28499783).

Literature cited by the submitters: PubMed 26325596; PubMed 28499783.